The following is an entry in ClinVar:

NM_004172.5(SLC1A3):c.*1022G>A

Genes: SLC1A3-AS1 (SLC1A3 antisense RNA 1; minus strand), SLC1A3 (solute carrier family 1 member 3; plus strand). Cytogenetic location: 5p13.2.
Variant type: single nucleotide variant.
Coding change: c.*1022G>A on transcript NM_004172.5 (MANE Select); 1022 bases downstream of the stop codon, G replaced by A.
Molecular consequence: 3 prime UTR variant.
Genome position (GRCh38, 1-based): chr5:36,687,291, G>A. VCF-style: chr5-36687291-G-A. GRCh37 (hg19) VCF-style: chr5-36687393-G-A.
Other names: c.*1022G>A (NM_001166695.3, NM_001289939.2, NM_001289940.2).
Identifiers: ClinVar variation 353344 (VCV000353344.6), dbSNP rs1049524, ClinGen allele CA10621707.

ClinVar aggregate classification (germline): Benign. Review status: criteria provided, multiple submitters, no conflicts (2 of 4 stars). 2 submissions from 2 submitters: Benign (2). Last evaluated 2018-01-13.

Conditions:
Episodic ataxia type 6. Identifiers: Orphanet 209967, MedGen C2675211, MONDO:0012982, OMIM 612656.

Allele frequency attached by ClinVar (database versions not stated): TOPMed 0.29953; 1000 Genomes Project 30x 0.30481; gnomAD 0.30550 and 0.31576; 1000 Genomes Project 0.31569; gnomAD exomes 0.41667.
gnomAD v4.1: 48,187 of 152,136 alleles (32%); highest among the groups gnomAD compares: South Asian, 51%; 9,463 homozygotes.

Submissions (2):

Illumina Laboratory Services, Illumina
Classification: Benign for Episodic ataxia type 6. Last evaluated: 2018-01-13. Review status: criteria provided, single submitter. Criteria: ICSL Variant Classification Criteria 13 December 2019. Collection method: clinical testing. Allele origin: germline.
Comment: This variant was observed in the ICSL laboratory as part of a predisposition screen in an ostensibly healthy population. It had not been previously curated by ICSL or reported in the Human Gene Mutation Database (HGMD: prior to June 1st, 2018), and was therefore a candidate for classification through an automated scoring system. Utilizing variant allele frequency, disease prevalence and penetrance estimates, and inheritance mode, an automated score was calculated to assess if this variant is too frequent to cause the disease. Based on the score and internal cut-off values, a variant classified as benign is not then subjected to further curation. The score for this variant resulted in a classification of benign for this disease.

Breakthrough Genomics
Classification: Benign. Review status: criteria provided, single submitter. Criteria: ACMG Guidelines, 2015. Collection method: not provided. Allele origin: germline. Inheritance: Autosomal dominant inheritance. Affected: yes.